The following is an entry in ClinVar:

NM_017951.5(SMPD4):c.593C>T (p.Thr198Ile)

Gene: SMPD4 (sphingomyelin phosphodiesterase 4; minus strand). Cytogenetic location: 2q21.1.
Variant type: single nucleotide variant.
Coding change: c.593C>T on transcript NM_017951.5 (MANE Select); coding-DNA position 593, C replaced by T.
Protein change: p.Thr198Ile; replaces threonine 198 with isoleucine.
Molecular consequence: missense variant. On other transcripts: non-coding transcript variant (2).
Genome position (GRCh38, 1-based): chr2:130,172,415, G>A on the plus strand (C>T on the coding strand, the complement: SMPD4 is on the minus strand). VCF-style: chr2-130172415-G-A. GRCh37 (hg19) VCF-style: chr2-130929988-G-A.
Other names: c.491C>T, p.Thr164Ile (NM_001171083.2); c.710C>T, p.Thr237Ile (NM_017751.4); short protein forms T164I, T237I, T198I.
Identifiers: ClinVar variation 2692539 (VCV002692539.1), dbSNP rs1230377167, ClinGen allele CA348480041.
Genomic context (GRCh38, chr2:130,172,415, plus strand): 5'-GGTGGTGAGGGGCTGGTCCCCCCTGGGCTGGAGGAGAGTGGTGGGGGCACACTGCCTTCG[G>A]TGGGCAGGAACCATGACAGGTACCTGTCCACCAGGATGAAATAGGCACAGTCTGAAGTAC-3'
Protein context (NP_060421.3, residues 188-208): VDRYLSWFLP[Thr198Ile]EGSVPPPLSS

ClinVar aggregate classification (germline): Uncertain significance (1 of 4 stars; one submission).

Allele frequency attached by ClinVar (database versions not stated): TOPMed below 0.00001.

Submission:

Greenwood Genetic Center Diagnostic Laboratories, Greenwood Genetic Center
Classification: Uncertain significance. Last evaluated: 2023-10-10. Review status: criteria provided, single submitter. Criteria: ACMG Guidelines, 2015. Collection method: clinical testing. Allele origin: germline. Affected: yes.
Comment: PM2, BP4